The following is an entry in ClinVar:

NM_031229.4(RBCK1):c.400C>T (p.Arg134Cys)

Gene: RBCK1 (RANBP2-type and C3HC4-type zinc finger containing 1; plus strand). Cytogenetic location: 20p13.
Variant type: single nucleotide variant.
Coding change: c.400C>T on transcript NM_031229.4 (MANE Select); coding-DNA position 400, C replaced by T.
Protein change: p.Arg134Cys; replaces arginine 134 with cysteine.
Molecular consequence: missense variant. On other transcripts: synonymous variant (2), non-coding transcript variant (1).
Genome position (GRCh38, 1-based): chr20:417,870, C>T. VCF-style: chr20-417870-C-T. GRCh37 (hg19) VCF-style: chr20-398514-C-T.
Other names: c.51C>T, p.Pro17= (NM_001323956.2, NM_001323958.2); c.274C>T, p.Arg92Cys (NM_006462.6); short protein forms R134C, R92C.
Identifiers: ClinVar variation 432276 (VCV000432276.12), dbSNP rs146325218, ClinGen allele CA9723058.
Genomic context (GRCh38, chr20:417,870, plus strand): 5'-CTGCACTCCCATGGGGTGCGGCAGAATGGGGACAGTGCCTACCTCTATCTGCTGTCAGCC[C>T]GCAACACCTCCCTCAACCCTCAGGAGCTGCAGCGGGAGCGGCAGCTGCGGATGCTGGAAG-3'
Protein context (NP_112506.2, residues 124-144): DSAYLYLLSA[Arg134Cys]NTSLNPQELQ

ClinVar aggregate classification (germline): Conflicting classifications of pathogenicity. Review status: criteria provided, conflicting classifications (1 of 4 stars). 4 submissions from 4 submitters: Uncertain significance (3); Likely benign (1). Last evaluated 2024-11-25.

Conditions:
Polyglucosan body myopathy type 1 (PGBM1). Also called: Polyglucosan body myopathy 1 with or without immunodeficiency; POLYGLUCOSAN BODY MYOPATHY WITHOUT IMMUNODEFICIENCY. Identifiers: Orphanet 329173, Orphanet 397937, MedGen C4014605, MONDO:0014389, OMIM 615895.

Allele frequency attached by ClinVar (database versions not stated): ExAC 0.00001; gnomAD 0.00001 and 0.00003; TOPMed 0.00001; gnomAD exomes 0.00002; ESP Exome Variant Server 0.00008.

Submissions (4):

Blueprint Genetics
Classification: Likely benign. Last evaluated: 2024-11-25. Review status: criteria provided, single submitter. Criteria: ACMG Guidelines, 2015. Collection method: clinical testing. Allele origin: germline.

Labcorp Genetics (formerly Invitae), Labcorp
Classification: Uncertain significance for Polyglucosan body myopathy type 1. Last evaluated: 2022-09-07. Review status: criteria provided, single submitter. Criteria: Invitae Variant Classification Sherloc (09022015). Collection method: clinical testing. Allele origin: germline.
Comment: This sequence change replaces arginine, which is basic and polar, with cysteine, which is neutral and slightly polar, at codon 134 of the RBCK1 protein (p.Arg134Cys). This variant is present in population databases (rs146325218, gnomAD 0.006%). This variant has not been reported in the literature in individuals affected with RBCK1-related conditions. ClinVar contains an entry for this variant (Variation ID: 432276). Algorithms developed to predict the effect of missense changes on protein structure and function output the following: SIFT: "Not Available"; PolyPhen-2: "Benign"; Align-GVGD: "Not Available". The cysteine amino acid residue is found in multiple mammalian species, which suggests that this missense change does not adversely affect protein function. In summary, the available evidence is currently insufficient to determine the role of this variant in disease. Therefore, it has been classified as a Variant of Uncertain Significance.

Mayo Clinic Laboratories, Mayo Clinic
Classification: Uncertain significance. Last evaluated: 2019-05-12. Review status: criteria provided, single submitter. Criteria: ACMG Guidelines, 2015. Collection method: clinical testing. Allele origin: germline. Observed: 1 variant allele.

GeneDx
Classification: Uncertain significance. Last evaluated: 2017-05-31. Review status: criteria provided, single submitter. Criteria: GeneDx Variant Classification (06012015). Collection method: clinical testing. Allele origin: germline. Affected: yes.
Comment: The R134C variant in the RBCK1 gene has not been reported previously as a pathogenic variant, nor as a benign variant, to our knowledge. This variant is not observed at a significant frequency in large population cohorts (Lek et al., 2016; 1000 Genomes Consortium et al., 2015; Exome Variant Server). The R134C variant is a non-conservative amino acid substitution, which is likely to impact secondary protein structure as these residues differ in polarity, charge, size and/or other properties. This substitution occurs at a position that is not conserved. In silico analysis is inconsistent in its predictions as to whether or not the variant is damaging to the protein structure/function. We interpret R134C as a variant of uncertain significance.